The following is an entry in ClinVar:

ClinVar aggregate classification (germline): Uncertain significance. Review status: criteria provided, single submitter (1 of 4 stars). 2 submissions from 2 submitters: Uncertain significance (1). 1 of the submissions does not count toward it. Last evaluated 2025-09-24.

Conditions:
Pyruvate dehydrogenase E1-alpha deficiency (PDHAD). Also called: ATAXIA, INTERMITTENT, WITH PYRUVATE DEHYDROGENASE DEFICIENCY; ATAXIA WITH LACTIC ACIDOSIS I; ATAXIA, INTERMITTENT, WITH ABNORMAL PYRUVATE METABOLISM; Ataxia, intermittent, with pyruvate dehydrogenase, or decarboxylase, deficiency. Identifiers: Orphanet 79243, MedGen C1839413, MONDO:0010717, OMIM 312170.

gnomAD v4.1: 2 of 1,203,210 alleles (0.00017%); highest among the groups gnomAD compares: East Asian, 0.003%; no homozygotes.

Submissions (2):

Genesolutions, Medical Genetics Institutes, Ho Chi Minh City, Vietnam
Classification: Uncertain significance for Pyruvate dehydrogenase E1-alpha deficiency. Last evaluated: 2025-09-24. Review status: criteria provided, single submitter. Criteria: ACMG Guidelines, 2015. Collection method: clinical testing. Allele origin: germline. Affected: yes.

Department of Pediatrics, Division of Medical Genetics, Faculty of Medicine Ramathibodi Hospital, Mahidol University
Classification: Uncertain significance for Pyruvate dehydrogenase E1-alpha deficiency. Last evaluated: 2025-03-10. Review status: no assertion criteria provided. Collection method: research. Allele origin: germline. Inheritance: X-linked dominant inheritance. Affected: yes. Observed: 1 hemizygote. Not counted in ClinVar's aggregate classification.
Comment: The variant is extremely low frequency in gnomAD population databases (0.00001461). In silico tool predictions suggest damaging effect of the variant on gene or gene product (REVEL: 0.934>=0.6). A missense variant is a common mechanism associated. Therefore, this variant is classified as uncertain significance according to the recommendation of ACMG/AMP guideline.

NM_000284.4(PDHA1):c.170C>T (p.Thr57Ile)

Gene: PDHA1 (pyruvate dehydrogenase E1 subunit alpha 1; plus strand). Cytogenetic location: Xp22.12.
Variant type: single nucleotide variant.
Coding change: c.170C>T on transcript NM_000284.4 (MANE Select); coding-DNA position 170, C replaced by T.
Protein change: p.Thr57Ile; replaces threonine 57 with isoleucine.
Molecular consequence: missense variant.
Genome position (GRCh38, 1-based): chrX:19,349,989, C>T. VCF-style: chrX-19349989-C-T. GRCh37 (hg19) VCF-style: chrX-19368107-C-T.
Other names: c.284C>T, p.Thr95Ile (NM_001173454.2); c.170C>T, p.Thr57Ile (NM_001173455.2, NM_001173456.2); short protein forms T57I, T95I.
Identifiers: ClinVar variation 3774372 (VCV003774372.2).